The following is an entry in ClinVar:

NM_003737.4(DCHS1):c.2630T>A (p.Val877Glu)

Gene: DCHS1 (dachsous cadherin-related 1; minus strand). Cytogenetic location: 11p15.4.
Variant type: single nucleotide variant.
Coding change: c.2630T>A on transcript NM_003737.4 (MANE Select); coding-DNA position 2630, T replaced by A.
Protein change: p.Val877Glu; replaces valine 877 with glutamic acid.
Molecular consequence: missense variant.
Genome position (GRCh38, 1-based): chr11:6,632,882, A>T on the plus strand (T>A on the coding strand, the complement: DCHS1 is on the minus strand). VCF-style: chr11-6632882-A-T. GRCh37 (hg19) VCF-style: chr11-6654113-A-T.
Other names: short protein forms V877E.
Identifiers: ClinVar variation 2570793 (VCV002570793.27), dbSNP rs2493830289, ClinGen allele CA379420233.

ClinVar aggregate classification (germline): Uncertain significance (1 of 4 stars; one submission).

Submission:

CeGaT Center for Human Genetics Tuebingen
Classification: Uncertain significance. Last evaluated: 2023-06-01. Review status: criteria provided, single submitter. Criteria: CeGaT Center For Human Genetics Tuebingen Variant Classification Criteria Version 2. Collection method: clinical testing. Allele origin: germline. Affected: yes. Observed: 1 variant allele.
Comment: DCHS1: PM2, BP4